The following is an entry in ClinVar:

ClinVar aggregate classification (germline): Uncertain significance. Review status: criteria provided, multiple submitters, no conflicts (2 of 4 stars). 3 submissions from 3 submitters: Uncertain significance (3). Last evaluated 2025-07-09.

Conditions:
Cardiovascular phenotype. Identifiers: MedGen CN230736.
Catecholaminergic polymorphic ventricular tachycardia 1. Also called: RYR2-Related Catecholaminergic Polymorphic Ventricular Tachycardia; VENTRICULAR TACHYCARDIA, CATECHOLAMINERGIC POLYMORPHIC, 1, WITH OR WITHOUT ATRIAL DYSFUNCTION AND/OR DILATED CARDIOMYOPATHY; VENTRICULAR TACHYCARDIA, STRESS-INDUCED POLYMORPHIC 1. Identifiers: Orphanet 3286, MedGen C1631597, MONDO:0011484, OMIM 604772.

Allele frequency attached by ClinVar (database versions not stated): 1000 Genomes Project 0.00020; 1000 Genomes Project 30x 0.00031; gnomAD exomes 0.00001; TOPMed 0.00002.
gnomAD v4.1: 27 of 1,559,316 alleles (0.0017%); highest among the groups gnomAD compares: African/African-American, 0.028%; no homozygotes.

Submissions (3):

Mayo Clinic Laboratories, Mayo Clinic
Classification: Uncertain significance. Last evaluated: 2025-07-09. Review status: criteria provided, single submitter. Criteria: ACMG Guidelines, 2015. Collection method: clinical testing. Allele origin: germline. Observed: 1 variant allele.
Comment: BP4_moderate, PM2_supporting

Ambry Genetics
Classification: Uncertain significance for Cardiovascular phenotype. Last evaluated: 2025-05-24. Review status: criteria provided, single submitter. Criteria: Ambry Variant Classification Scheme 2023. Collection method: clinical testing. Allele origin: germline.
Comment: The p.K317E variant (also known as c.949A>G), located in coding exon 11 of the TRDN gene, results from an A to G substitution at nucleotide position 949. The lysine at codon 317 is replaced by glutamic acid, an amino acid with similar properties. This amino acid position is highly conserved in available vertebrate species. In addition, this alteration is predicted to be tolerated by in silico analysis. Since supporting evidence is limited at this time, the clinical significance of this alteration remains unclear.

Labcorp Genetics (formerly Invitae), Labcorp
Classification: Uncertain significance for Catecholaminergic polymorphic ventricular tachycardia 1. Last evaluated: 2022-08-10. Review status: criteria provided, single submitter. Criteria: Invitae Variant Classification Sherloc (09022015). Collection method: clinical testing. Allele origin: germline.
Comment: This sequence change replaces lysine, which is basic and polar, with glutamic acid, which is acidic and polar, at codon 317 of the TRDN protein (p.Lys317Glu). This variant is present in population databases (rs138624936, gnomAD 0.01%). This variant has not been reported in the literature in individuals affected with TRDN-related conditions. ClinVar contains an entry for this variant (Variation ID: 518705). Algorithms developed to predict the effect of missense changes on protein structure and function (SIFT, PolyPhen-2, Align-GVGD) all suggest that this variant is likely to be tolerated. In summary, the available evidence is currently insufficient to determine the role of this variant in disease. Therefore, it has been classified as a Variant of Uncertain Significance.

NM_006073.4(TRDN):c.949A>G (p.Lys317Glu)

Gene: TRDN (triadin; minus strand). Cytogenetic location: 6q22.31.
Variant type: single nucleotide variant.
Coding change: c.949A>G on transcript NM_006073.4 (MANE Select); coding-DNA position 949, A replaced by G.
Protein change: p.Lys317Glu; replaces lysine 317 with glutamic acid.
Molecular consequence: missense variant.
Genome position (GRCh38, 1-based): chr6:123,438,986, T>C on the plus strand (A>G on the coding strand, the complement: TRDN is on the minus strand). VCF-style: chr6-123438986-T-C. GRCh37 (hg19) VCF-style: chr6-123760131-T-C.
Other names: p.Lys317Glu; c.949A>G, p.Lys317Glu (NM_001251987.2); short protein forms K317E.
Identifiers: ClinVar variation 518705 (VCV000518705.13), dbSNP rs138624936, ClinGen allele CA147271017.